The following is an entry in ClinVar:

ClinVar aggregate classification (germline): Pathogenic/Likely pathogenic. Review status: criteria provided, multiple submitters, no conflicts (2 of 4 stars). 2 submissions from 2 submitters: Pathogenic (1); Likely pathogenic (1). Last evaluated 2023-12-15.

Conditions:
Bilateral sensorineural hearing impairment. Also called: Bilateral sensorineural hearing loss. Identifiers: MedGen C0452138, HP:0008619.

gnomAD v4.1: 1 of 1,613,454 alleles (0.000062%); highest among the groups gnomAD compares: Non-Finnish European, 0.000085%; no homozygotes.

Submissions (2):

Labcorp Genetics (formerly Invitae), Labcorp
Classification: Pathogenic. Last evaluated: 2023-12-15. Review status: criteria provided, single submitter. Criteria: Invitae Variant Classification Sherloc (09022015). Collection method: clinical testing. Allele origin: germline.
Comment: This sequence change affects an acceptor splice site in intron 39 of the OTOF gene. It is expected to disrupt RNA splicing. Variants that disrupt the donor or acceptor splice site typically lead to a loss of protein function (PMID: 16199547), and loss-of-function variants in OTOF are known to be pathogenic (PMID: 18381613, 19250381, 22575033). This variant is not present in population databases (gnomAD no frequency). Disruption of this splice site has been observed in individuals with autosomal recessive auditory neuropathy (PMID: 31581539, 34652575). ClinVar contains an entry for this variant (Variation ID: 1185572). Algorithms developed to predict the effect of sequence changes on RNA splicing suggest that this variant may disrupt the consensus splice site. For these reasons, this variant has been classified as Pathogenic.

Laboratory of Human Genetics, Institute of Biosciences - University of Sao Paulo
Classification: Likely pathogenic for Bilateral sensorineural hearing impairment. Review status: criteria provided, single submitter. Criteria: ClinGen HL ACMG Specifications v1. Collection method: research. Allele origin: germline. Affected: yes. Observed: 1 compound heterozygote. Segregation with disease observed.
Comment: Novel analysis in subject 2 with auditory neuropathy from Romanos et al. (2008) allowed identification of this variant in trans with the c.1552-1567del variant, both classified as likely pathogenic/pathogenic, segregation confirmed

Literature cited by the submitters: PubMed 16199547 (cited by Labcorp Genetics (formerly Invitae), Labcorp); PubMed 18381613 (cited by Labcorp Genetics (formerly Invitae), Labcorp); PubMed 19250381 (cited by Labcorp Genetics (formerly Invitae), Labcorp); PubMed 22575033 (cited by Labcorp Genetics (formerly Invitae), Labcorp); PubMed 31581539 (cited by Labcorp Genetics (formerly Invitae), Labcorp); PubMed 34652575 (cited by Labcorp Genetics (formerly Invitae), Labcorp and Laboratory of Human Genetics, Institute of Biosciences - University of Sao Paulo); PubMed 19461658 (cited by Laboratory of Human Genetics, Institute of Biosciences - University of Sao Paulo).

NM_194248.3(OTOF):c.4961-1G>A

Gene: OTOF (otoferlin; minus strand). Cytogenetic location: 2p23.3.
Variant type: single nucleotide variant.
Coding change: c.4961-1G>A on transcript NM_194248.3 (MANE Select); the canonical splice acceptor site of the intron before coding-DNA position 4961, G replaced by A.
Molecular consequence: splice acceptor variant.
Genome position (GRCh38, 1-based): chr2:26,464,107, C>T on the plus strand (G>A on the coding strand, the complement: OTOF is on the minus strand). VCF-style: chr2-26464107-C-T. GRCh37 (hg19) VCF-style: chr2-26686975-C-T.
Other names: c.4961-1G>A (NM_001287489.2); c.2660-1G>A (NM_194323.3, NM_004802.4); c.2891-1G>A (NM_194322.3).
Identifiers: ClinVar variation 1185572 (VCV001185572.4), dbSNP rs2148024902, ClinGen allele CA346134317.
Genomic context (GRCh38, chr2:26,464,107, plus strand): 5'-TGTCCTCCCAGTGCCTCAGGGCCAACAGCGCCACATGCTCGTCTGTGGGCTTCCTCTGAC[C>T]TGTGGGTGCCGGCGGCTCAGCTGCACACATGGCTCAGCAGAACCAGAAGACCTTTGCTGG-3'